The following is an entry in ClinVar:

NM_001384140.1(PCDH15):c.92-13796_92-13795insC

Genes: PCDH15 (protocadherin related 15; minus strand), LOC105378311 (uncharacterized LOC105378311; plus strand). Cytogenetic location: 10q21.1.
Variant type: Insertion.
Coding change: c.92-13796_92-13795insC on transcript NM_001384140.1 (MANE Select); 13796 bases into the intron before coding-DNA position 92 through 13795 bases into the intron before coding-DNA position 92, C inserted.
Molecular consequence: intron variant.
Genome position: GRCh38 VCF-style: chr10-54541672-A-AG. GRCh37 (hg19) VCF-style: chr10-56301432-A-AG.
Other names: c.92-13796_92-13795insC (NM_001354420.2, NM_001354429.2, NM_001142772.2 and 8 more transcripts); c.92-13271_92-13270insC (NM_001142771.2, NM_001142769.3, NM_001142763.2); c.91+122499_91+122500insC (NM_001354404.2, NM_001142773.2, NM_001142768.2).
Identifiers: ClinVar variation 632934 (VCV000632934.1), dbSNP rs144361159, ClinGen allele CA207606283.
Genomic context (GRCh38, chr10:54,541,672, plus strand): 5'-CATTATCCAACTTGTCTCTGTGTTTTGTAATTGAAATATAAAGGAGAAAGGAAAAGGATA[A>AG]TATTTGTGTCCATGTGGAAAACAAAATTATTCATCAAACACTTTATGAAAAGCAGCTTTT-3'

ClinVar aggregate classification (germline): Benign (1 of 4 stars; one submission).

Allele frequency attached by ClinVar (database versions not stated): 1000 Genomes Project 30x 0.06824; gnomAD 0.08911 and 0.08987; 1000 Genomes Project 0.06809; TOPMed 0.09032.

Submission:

Women's Health and Genetics/Laboratory Corporation of America, LabCorp
Classification: Benign. Last evaluated: 2018-08-22. Review status: criteria provided, single submitter. Criteria: LabCorp Variant Classification Summary - May 2015. Collection method: clinical testing. Allele origin: germline.
Comment: Variant summary: PCDH15 c.92-13796_92-13795insC is located at a deep intronic position not widely known to affect splicing. The variant allele was found at a frequency of 0.088 in 30832 control chromosomes in the gnomAD database, including 150 homozygotes. The observed variant frequency is approximately 28-fold above the estimated maximal expected allele frequency for a pathogenic variant in PCDH15 causing Usher Syndrome Type 1F phenotype (0.0032), strongly suggesting that the variant is benign. To our knowledge, no occurrence of c.92-13796_92-13795insC in individuals affected with Usher Syndrome Type 1F and no experimental evidence demonstrating its impact on protein function have been reported. No clinical diagnostic laboratories have submitted clinical-significance assessments for this variant to ClinVar after 2014. Based on the evidence outlined above, the variant was classified as benign.